The following is an entry in ClinVar:

ClinVar aggregate classification (germline): Benign/Likely benign. Review status: criteria provided, multiple submitters, no conflicts (2 of 4 stars). 3 submissions from 3 submitters: Benign (2); Likely benign (1). Last evaluated 2025-07-01.

Allele frequency attached by ClinVar (database versions not stated): 1000 Genomes Project 0.00339; 1000 Genomes Project 30x 0.00359; gnomAD 0.00551 and 0.00563; TOPMed 0.00563; ESP Exome Variant Server 0.00569; gnomAD exomes 0.00611 and 0.00704; ExAC 0.00653.
gnomAD v4.1: 11,227 of 1,613,812 alleles (0.7%); highest among the groups gnomAD compares: Middle Eastern, 2.6%; 61 homozygotes.

Submissions (3):

CeGaT Center for Human Genetics Tuebingen
Classification: Likely benign. Last evaluated: 2025-07-01. Review status: criteria provided, single submitter. Criteria: CeGaT Center For Human Genetics Tuebingen Variant Classification Criteria Version 2. Collection method: clinical testing. Allele origin: germline. Affected: yes. Observed: 10 variant alleles.
Comment: UROC1: BP4, BP7, BS2

Labcorp Genetics (formerly Invitae), Labcorp
Classification: Benign. Last evaluated: 2019-12-31. Review status: criteria provided, single submitter. Criteria: Invitae Variant Classification Sherloc (09022015). Collection method: clinical testing. Allele origin: germline.

Breakthrough Genomics
Classification: Benign. Review status: criteria provided, single submitter. Criteria: ACMG Guidelines, 2015. Collection method: not provided. Allele origin: germline. Inheritance: Autosomal recessive inheritance. Affected: yes.

NM_144639.3(UROC1):c.384T>C (p.Asn128=)

Gene: UROC1 (urocanate hydratase 1; minus strand). Cytogenetic location: 3q21.3.
Variant type: single nucleotide variant.
Coding change: c.384T>C on transcript NM_144639.3 (MANE Select); coding-DNA position 384, T replaced by C.
Protein change: p.Asn128=; no amino-acid change (asparagine 128 retained).
Molecular consequence: synonymous variant.
Genome position (GRCh38, 1-based): chr3:126,508,443, A>G on the plus strand (T>C on the coding strand, the complement: UROC1 is on the minus strand). VCF-style: chr3-126508443-A-G. GRCh37 (hg19) VCF-style: chr3-126227286-A-G.
Other names: c.384T>C, p.Asn128= (NM_001165974.2).
Identifiers: ClinVar variation 772865 (VCV000772865.35), dbSNP rs34506298, ClinGen allele CA2591584.